The following is an entry in ClinVar:

ClinVar aggregate classification (germline): Uncertain significance. Review status: criteria provided, multiple submitters, no conflicts (2 of 4 stars). 3 submissions from 3 submitters: Uncertain significance (2). 1 of the submissions does not count toward it. Last evaluated 2023-12-11.

Conditions:
Aicardi Goutieres syndrome (AGS). Also called: Encephalopathy, familial infantile, with calcification of basal ganglia and chronic cerebrospinal fluid lymphocytosis. Identifiers: Orphanet 51, MedGen C0393591, MONDO:0018866.
Aicardi-Goutieres syndrome 5. Identifiers: Orphanet 51, MedGen C2749659, MONDO:0013059, OMIM 612952.

Allele frequency attached by ClinVar (database versions not stated): gnomAD exomes below 0.00001; TOPMed 0.00001.
gnomAD v4.1: 1 of 1,614,232 alleles (0.000062%); highest among the groups gnomAD compares: Non-Finnish European, 0.000085%; no homozygotes.

Submissions (3):

GeneDx
Classification: Uncertain significance. Last evaluated: 2023-12-11. Review status: criteria provided, single submitter. Criteria: GeneDx Variant Classification Process June 2021. Collection method: clinical testing. Allele origin: germline. Affected: yes.
Comment: Not observed at significant frequency in large population cohorts (gnomAD); In silico analysis supports that this missense variant has a deleterious effect on protein structure/function; Has not been previously published as pathogenic or benign to our knowledge

Labcorp Genetics (formerly Invitae), Labcorp
Classification: Uncertain significance for Aicardi-Goutieres syndrome 5. Last evaluated: 2023-10-03. Review status: criteria provided, single submitter. Criteria: Invitae Variant Classification Sherloc (09022015). Collection method: clinical testing. Allele origin: germline.
Comment: This sequence change replaces tyrosine, which is neutral and polar, with aspartic acid, which is acidic and polar, at codon 553 of the SAMHD1 protein (p.Tyr553Asp). This variant is present in population databases (no rsID available, gnomAD 0.0009%). This variant has not been reported in the literature in individuals affected with SAMHD1-related conditions. ClinVar contains an entry for this variant (Variation ID: 451012). Advanced modeling of protein sequence and biophysical properties (such as structural, functional, and spatial information, amino acid conservation, physicochemical variation, residue mobility, and thermodynamic stability) performed at Invitae indicates that this missense variant is expected to disrupt SAMHD1 protein function. In summary, the available evidence is currently insufficient to determine the role of this variant in disease. Therefore, it has been classified as a Variant of Uncertain Significance.

Natera, Inc.
Classification: Uncertain significance for Aicardi-Goutieres syndrome. Last evaluated: 2025-05-27. Review status: no assertion criteria provided. Collection method: clinical testing. Allele origin: germline. Not counted in ClinVar's aggregate classification.

NM_015474.4(SAMHD1):c.1657T>G (p.Tyr553Asp)

Gene: SAMHD1 (SAM and HD domain containing deoxynucleoside triphosphate triphosphohydrolase 1; minus strand). Cytogenetic location: 20q11.23.
Variant type: single nucleotide variant.
Coding change: c.1657T>G on transcript NM_015474.4 (MANE Select); coding-DNA position 1657, T replaced by G.
Protein change: p.Tyr553Asp; replaces tyrosine 553 with aspartic acid.
Molecular consequence: missense variant.
Genome position (GRCh38, 1-based): chr20:36,897,911, A>C on the plus strand (T>G on the coding strand, the complement: SAMHD1 is on the minus strand). VCF-style: chr20-36897911-A-C. GRCh37 (hg19) VCF-style: chr20-35526314-A-C.
Other names: c.1552T>G, p.Tyr518Asp (NM_001363729.2); c.1657T>G, p.Tyr553Asp (NM_001363733.2); short protein forms Y553D, Y518D.
Identifiers: ClinVar variation 451012 (VCV000451012.6), dbSNP rs1442543580, ClinGen allele CA408839513.